The following is an entry in ClinVar:

NM_000135.4(FANCA):c.3264_3267del (p.Val1089fs)

Gene: FANCA (FA complementation group A; minus strand). Cytogenetic location: 16q24.3.
Variant type: Deletion.
Coding change: c.3264_3267del on transcript NM_000135.4 (MANE Select); coding-DNA positions 3264 to 3267, 4 bases deleted (TGTC; older notation c.3264_3267delTGTC).
Protein change: p.Val1089fs; shifts the reading frame from valine 1089.
Molecular consequence: frameshift variant.
Genome position (GRCh38, 1-based): chr16:89,748,740-89,748,743, GACA deleted on the plus strand (TGTC on the coding strand, the reverse complement: FANCA is on the minus strand); deleting any 4 consecutive bases within chr16:89,748,740-89,748,746 gives the same sequence; the c. name uses the placement nearest the transcript's 3' end. VCF-style (leftmost placement, unchanged base first): chr16-89748739-GGACA-G. GRCh37 (hg19) VCF-style: chr16-89815147-GGACA-G.
Other names: c.3264_3267del, p.Val1089fs (NM_001286167.3); short protein forms V1089fs.
Identifiers: ClinVar variation 853433 (VCV000853433.8), dbSNP rs1035003476, ClinGen allele CA286625353.

ClinVar aggregate classification (germline): Pathogenic. Review status: criteria provided, multiple submitters, no conflicts (2 of 4 stars). 2 submissions from 2 submitters: Pathogenic (2). Last evaluated 2025-10-16.

Conditions:
Fanconi anemia (FA). Also called: Fanconi's anemia. Identifiers: Orphanet 84, MedGen C0015625, MeSH D005199, MONDO:0019391.
Fanconi anemia complementation group A (FANCA). Also called: Fanconi anemia, group A; FANCA-Related Fanconi Anemia. Identifiers: Orphanet 84, MedGen C3469521, MONDO:0009215, OMIM 227650.

Submissions (2):

Molecular Diagnostics Laboratory, M Health Fairview: University of Minnesota
Classification: Pathogenic for Fanconi anemia complementation group A. Last evaluated: 2025-10-16. Review status: criteria provided, single submitter. Criteria: ACMG Guidelines, 2015. Collection method: clinical testing. Allele origin: germline. Affected: yes.

Labcorp Genetics (formerly Invitae), Labcorp
Classification: Pathogenic for Fanconi anemia. Last evaluated: 2019-11-26. Review status: criteria provided, single submitter. Criteria: Invitae Variant Classification Sherloc (09022015). Collection method: clinical testing. Allele origin: germline.
Comment: For these reasons, this variant has been classified as Pathogenic. Loss-of-function variants in FANCA are known to be pathogenic (PMID: 19367192). This variant has not been reported in the literature in individuals with FANCA-related conditions. This variant is not present in population databases (ExAC no frequency). This sequence change creates a premature translational stop signal (p.Val1089Serfs*27) in the FANCA gene. It is expected to result in an absent or disrupted protein product.

Literature cited by the submitters: PubMed 19367192 (cited by Labcorp Genetics (formerly Invitae), Labcorp).